The following is an entry in ClinVar:

NM_014014.5(SNRNP200):c.4930G>A (p.Val1644Met)

Gene: SNRNP200 (small nuclear ribonucleoprotein U5 subunit 200; minus strand). Cytogenetic location: 2q11.2.
Variant type: single nucleotide variant.
Coding change: c.4930G>A on transcript NM_014014.5 (MANE Select); coding-DNA position 4930, G replaced by A.
Protein change: p.Val1644Met; replaces valine 1644 with methionine.
Molecular consequence: missense variant.
Genome position (GRCh38, 1-based): chr2:96,281,908, C>T on the plus strand (G>A on the coding strand, the complement: SNRNP200 is on the minus strand). VCF-style: chr2-96281908-C-T. GRCh37 (hg19) VCF-style: chr2-96947646-C-T.
Other names: short protein forms V1644M.
Identifiers: ClinVar variation 3678467 (VCV003678467.2).

ClinVar aggregate classification (germline): Uncertain significance (1 of 4 stars; one submission).

gnomAD v4.1: 2 of 1,614,046 alleles (0.00012%); highest among the groups gnomAD compares: Non-Finnish European, 0.00017%; no homozygotes.

Submission:

Labcorp Genetics (formerly Invitae), Labcorp
Classification: Uncertain significance. Last evaluated: 2024-12-12. Review status: criteria provided, single submitter. Criteria: Invitae Variant Classification Sherloc (09022015). Collection method: clinical testing. Allele origin: germline.
Comment: This sequence change replaces valine, which is neutral and non-polar, with methionine, which is neutral and non-polar, at codon 1644 of the SNRNP200 protein (p.Val1644Met). This variant is not present in population databases (gnomAD no frequency). This variant has not been reported in the literature in individuals affected with SNRNP200-related conditions. Invitae Evidence Modeling of protein sequence and biophysical properties (such as structural, functional, and spatial information, amino acid conservation, physicochemical variation, residue mobility, and thermodynamic stability) indicates that this missense variant is not expected to disrupt SNRNP200 protein function with a negative predictive value of 95%. In summary, the available evidence is currently insufficient to determine the role of this variant in disease. Therefore, it has been classified as a Variant of Uncertain Significance.